The following is an entry in ClinVar:

ClinVar aggregate classification (germline): Likely benign (1 of 4 stars; one submission).

Conditions:
Syndromic microphthalmia type 5 (MCOPS5). Also called: RETINAL DYSTROPHY, EARLY-ONSET, WITH PITUITARY DYSFUNCTION; RETINAL DYSTROPHY, EARLY-ONSET, WITHOUT PITUITARY DYSFUNCTION. Identifiers: Orphanet 178364, MedGen C1864690, MONDO:0012413, OMIM 610125.

Submission:

Centre for Medical Genetics,  Mumbai
Classification: Likely benign for Syndromic microphthalmia type 5. Last evaluated: 2026-02-05. Review status: criteria provided, single submitter. Criteria: ACMG Guidelines, 2015. Collection method: provider interpretation. Allele origin: germline. Inheritance: Autosomal dominant inheritance. Affected: no. Observed: 1 variant allele, 1 heterozygote.
Comment: The variant satisfies PM2 criteria; Extremely low frequency in gnomAD population databases. The variant satisfies PP3 criteria; For a missense or a splicing region variant, computational prediction tools unanimously support a deleterious effect on the gene. The variant satisfies PP2 criteria; Missense variant in a gene with low rate of benign missense mutations and for which missense mutation is a common mechanism of a disease. However, the variant satisfies BS2 criteria.

Literature cited by the submitters: PubMed 15846561.

NM_021728.4(OTX2):c.482G>T (p.Ser161Ile)

Gene: OTX2 (orthodenticle homeobox 2; minus strand). Cytogenetic location: 14q22.3.
Variant type: single nucleotide variant.
Coding change: c.482G>T on transcript NM_021728.4 (MANE Select); coding-DNA position 482, G replaced by T.
Protein change: p.Ser161Ile; replaces serine 161 with isoleucine.
Molecular consequence: missense variant. On other transcripts: non-coding transcript variant (2).
Genome position (GRCh38, 1-based): chr14:56,802,147, C>A on the plus strand (G>T on the coding strand, the complement: OTX2 is on the minus strand). VCF-style: chr14-56802147-C-A. GRCh37 (hg19) VCF-style: chr14-57268865-C-A.
Other names: c.458G>T, p.Ser153Ile (NM_001270523.2, NM_001270524.2, NM_172337.3); c.482G>T, p.Ser161Ile (NM_001270525.2); short protein forms S153I, S161I.
Identifiers: ClinVar variation 4850874 (VCV004850874.1).